The following is an entry in ClinVar:

NM_021098.3(CACNA1H):c.3925G>T (p.Val1309Phe)

Gene: CACNA1H (calcium voltage-gated channel subunit alpha1 H; plus strand). Cytogenetic location: 16p13.3.
Variant type: single nucleotide variant.
Coding change: c.3925G>T on transcript NM_021098.3 (MANE Select); coding-DNA position 3925, G replaced by T.
Protein change: p.Val1309Phe; replaces valine 1309 with phenylalanine.
Molecular consequence: missense variant.
Genome position (GRCh38, 1-based): chr16:1,210,449, G>T. VCF-style: chr16-1210449-G-T. GRCh37 (hg19) VCF-style: chr16-1260449-G-T.
Other names: c.3925G>T, p.Val1309Phe (NM_001005407.2); short protein forms V1309F.
Identifiers: ClinVar variation 2950679 (VCV002950679.3), dbSNP rs201352768, ClinGen allele CA394176681.

ClinVar aggregate classification (germline): Uncertain significance (1 of 4 stars; one submission).

Conditions:
Idiopathic generalized epilepsy. Also called: Generalised epilepsy; EIG. Identifiers: MedGen C0270850, MONDO:0005579, OMIM 600669.
Hyperaldosteronism, familial, type IV (HALD4). Also called: FH IV; ALDOSTERONISM, PRIMARY, AND HYPERTENSION. Identifiers: Orphanet 642671, MedGen C4310756, MONDO:0014875, OMIM 617027.

Submission:

Labcorp Genetics (formerly Invitae), Labcorp
Classification: Uncertain significance for Idiopathic generalized epilepsy; Hyperaldosteronism, familial, type IV. Last evaluated: 2025-04-14. Review status: criteria provided, single submitter. Criteria: Invitae Variant Classification Sherloc (09022015). Collection method: clinical testing. Allele origin: germline.
Comment: This sequence change replaces valine, which is neutral and non-polar, with phenylalanine, which is neutral and non-polar, at codon 1309 of the CACNA1H protein (p.Val1309Phe). This variant is not present in population databases (gnomAD no frequency). This variant has not been reported in the literature in individuals affected with CACNA1H-related conditions. ClinVar contains an entry for this variant (Variation ID: 2950679). Invitae Evidence Modeling of protein sequence and biophysical properties (such as structural, functional, and spatial information, amino acid conservation, physicochemical variation, residue mobility, and thermodynamic stability) indicates that this missense variant is not expected to disrupt CACNA1H protein function with a negative predictive value of 80%. In summary, the available evidence is currently insufficient to determine the role of this variant in disease. Therefore, it has been classified as a Variant of Uncertain Significance.